The following is an entry in ClinVar:

ClinVar aggregate classification (germline): Uncertain significance (1 of 4 stars; one submission).

Submission:

Ambry Genetics
Classification: Uncertain significance. Last evaluated: 2025-11-24. Review status: criteria provided, single submitter. Criteria: Ambry Variant Classification Scheme 2023. Collection method: clinical testing. Allele origin: germline.
Comment: The p.S31C variant (also known as c.92C>G), located in coding exon 2 of the RPS20 gene, results from a C to G substitution at nucleotide position 92. The serine at codon 31 is replaced by cysteine, an amino acid with dissimilar properties. This amino acid position is highly conserved in available vertebrate species. In addition, this alteration is predicted to be deleterious by in silico analysis. Based on the available evidence, the clinical significance of this variant remains unclear.

NM_001023.4(RPS20):c.92C>G (p.Ser31Cys)

Gene: RPS20 (ribosomal protein S20; minus strand). Cytogenetic location: 8q12.1.
Variant type: single nucleotide variant.
Coding change: c.92C>G on transcript NM_001023.4 (MANE Select); coding-DNA position 92, C replaced by G.
Protein change: p.Ser31Cys; replaces serine 31 with cysteine.
Molecular consequence: missense variant.
Genome position (GRCh38, 1-based): chr8:56,074,071, G>C on the plus strand (C>G on the coding strand, the complement: RPS20 is on the minus strand). VCF-style: chr8-56074071-G-C. GRCh37 (hg19) VCF-style: chr8-56986630-G-C.
Other names: c.92C>G, p.Ser31Cys (NM_001146227.3); short protein forms S31C.
Identifiers: ClinVar variation 4579493 (VCV004579493.1).